The following is an entry in ClinVar:

ClinVar aggregate classification (germline): Uncertain significance (1 of 4 stars; one submission).

Conditions:
Autosomal dominant epilepsy with auditory features. Identifiers: Orphanet 101046, MedGen C1838062, MONDO:0010898.

Allele frequency attached by ClinVar (database versions not stated): gnomAD exomes below 0.00001.
gnomAD v4.1: 1 of 1,614,176 alleles (0.000062%); highest among the groups gnomAD compares: Non-Finnish European, 0.000085%; no homozygotes.

Submission:

Labcorp Genetics (formerly Invitae), Labcorp
Classification: Uncertain significance for Autosomal dominant epilepsy with auditory features. Last evaluated: 2024-10-28. Review status: criteria provided, single submitter. Criteria: Invitae Variant Classification Sherloc (09022015). Collection method: clinical testing. Allele origin: germline.
Comment: This sequence change replaces alanine, which is neutral and non-polar, with threonine, which is neutral and polar, at codon 20 of the LGI1 protein (p.Ala20Thr). This variant is not present in population databases (gnomAD no frequency). This variant has not been reported in the literature in individuals affected with LGI1-related conditions. ClinVar contains an entry for this variant (Variation ID: 1383693). An algorithm developed to predict the effect of missense changes on protein structure and function (PolyPhen-2) suggests that this variant is likely to be tolerated. In summary, the available evidence is currently insufficient to determine the role of this variant in disease. Therefore, it has been classified as a Variant of Uncertain Significance.

NM_005097.4(LGI1):c.58G>A (p.Ala20Thr)

Gene: LGI1 (leucine rich glioma inactivated 1; plus strand). Cytogenetic location: 10q23.33.
Variant type: single nucleotide variant.
Coding change: c.58G>A on transcript NM_005097.4 (MANE Select); coding-DNA position 58, G replaced by A.
Protein change: p.Ala20Thr; replaces alanine 20 with threonine.
Molecular consequence: missense variant. On other transcripts: non-coding transcript variant (1).
Genome position (GRCh38, 1-based): chr10:93,758,202, G>A. VCF-style: chr10-93758202-G-A. GRCh37 (hg19) VCF-style: chr10-95517959-G-A.
Other names: c.58G>A, p.Ala20Thr (NM_001308275.2, NM_001308276.2); short protein forms A20T.
Identifiers: ClinVar variation 1383693 (VCV001383693.6), dbSNP rs2059584327, ClinGen allele CA377631167.